The following is an entry in ClinVar:

ClinVar aggregate classification (germline): Pathogenic (1 of 4 stars; one submission).

Conditions:
Hereditary spastic paraplegia 11. Also called: Spastic paraplegia, mental retardation and thin corpus callosum; SPASTIC PARAPLEGIA, AUTOSOMAL RECESSIVE, COMPLICATED, WITH THIN CORPUS CALLOSUM; SPASTIC PARAPLEGIA, AUTOSOMAL RECESSIVE, WITH MENTAL IMPAIRMENT AND THIN CORPUS CALLOSUM; Spastic Paraplegia 11; Nakamura Osame syndrome; Autosomal recessive hereditary spastic paraplegia, mental impairment, and thin corpus callosum. Identifiers: Orphanet 2822, MedGen C1858479, MONDO:0011445, OMIM 604360.

Submission:

Labcorp Genetics (formerly Invitae), Labcorp
Classification: Pathogenic for Hereditary spastic paraplegia 11. Last evaluated: 2023-04-04. Review status: criteria provided, single submitter. Criteria: Invitae Variant Classification Sherloc (09022015). Collection method: clinical testing. Allele origin: unknown.
Comment: For these reasons, this variant has been classified as Pathogenic. This variant has not been reported in the literature in individuals affected with SPG11-related conditions. This variant is a gross deletion of the genomic region encompassing exon(s) 31 of the SPG11 gene. This deletion is out-of-frame, and is expected to create a premature termination codon and result in an absent or disrupted protein product. Loss-of-function variants in SPG11 are known to be pathogenic (PMID: 19105190, 20110243, 22154821, 26556829).

Literature cited by the submitters: PubMed 19105190; PubMed 20110243; PubMed 22154821; PubMed 26556829.

NC_000015.9:g.(?_44867080)_(44867259_?)del

Gene: SPG11 (SPG11 vesicle trafficking associated, spatacsin; minus strand). Cytogenetic location: 15q21.1.
Variant type: Deletion.
Identifiers: ClinVar variation 3243784 (VCV003243784.1).